The following is an entry in ClinVar:

NM_175914.5(HNF4A):c.536G>C (p.Trp179Ser)

Gene: HNF4A (hepatocyte nuclear factor 4 alpha; plus strand). Cytogenetic location: 20q13.12.
Variant type: single nucleotide variant.
Coding change: c.536G>C on transcript NM_175914.5 (MANE Select); coding-DNA position 536, G replaced by C.
Protein change: p.Trp179Ser; replaces tryptophan 179 with serine.
Molecular consequence: missense variant.
Genome position (GRCh38, 1-based): chr20:44,414,616, G>C. VCF-style: chr20-44414616-G-C. GRCh37 (hg19) VCF-style: chr20-43043256-G-C.
Other names: NM_175914.5:c.536G>C; NM_175914.5(HNF4A):c.536G>C; p.Trp179Ser; c.602G>C, p.Trp201Ser (NM_000457.6, NM_178849.3, NM_178850.3); c.536G>C, p.Trp179Ser (NM_001030003.3, NM_001030004.3); c.581G>C, p.Trp194Ser (NM_001258355.2); c.527G>C, p.Trp176Ser (NM_001287182.2, NM_001287183.2, NM_001287184.2); short protein forms W176S, W179S, W194S, W201S.
Identifiers: ClinVar variation 2664355 (VCV002664355.3), dbSNP rs2146417581, ClinGen allele CA409106102.

ClinVar aggregate classification (germline): Uncertain significance (3 of 4 stars; one submission).

Conditions:
Monogenic diabetes. Identifiers: Orphanet 183625, MedGen C3888631, MONDO:0015967.

Submission:

ClinGen Monogenic Diabetes Variant Curation Expert Panel
Classification: Uncertain significance for Monogenic diabetes. Last evaluated: 2026-05-21. Review status: reviewed by expert panel. Criteria: ClinGen Diabetes ACMG Specifications HNF4A V4.0.0. Collection method: curation. Allele origin: germline. Inheritance: Autosomal dominant inheritance.
Comment: The c.536G>C variant in the hepatocyte nuclear factor 4-alpha gene, HNF4A, causes an amino acid change of tryptophan to serine at codon 179 (p.(Trp179Ser)) of NM_175914.5. This variant is predicted to be deleterious by computational evidence, with a REVEL score of 0.881 which is greater than the MDEP VCEP threshold of 0.70 (PP3). This variant is absent from gnomAD v4.1.0 (PM2_Supporting). This variant was identified in an individual with a clinical history highly specific for HNF4A-monogenic diabetes (MODY probability calculator result >50%, negative genetic testing for HNF1A, and sulfonylurea sensitive) (PP4_Moderate; internal lab contributors). This variant segregated with diabetes with one informative meiosis in a single family; however this does not meet the thresholds for PP1 set by the ClinGen MDEP (internal lab contributors). Other missense variants at the same residue, c.535T>C and c.535T>A (p.Trp179Arg) and c.537G>C (p.Trp179Cys), have been classified as likely pathogenic by the ClinGen MDEP (PM5_Supporting). In summary, c.536G>C meets the criteria to be classified as a variant of uncertain significance for monogenic diabetes. ACMG/AMP criteria applied, as specified by the ClinGen MDEP (specification version 4.0.0, approved 10/10/2025): PP4_Moderate, PP3, PM2_Supporting, PM5_Supporting.